The following is an entry in ClinVar:

ClinVar aggregate classification (germline): Uncertain significance. Review status: criteria provided, multiple submitters, no conflicts (2 of 4 stars). 2 submissions from 2 submitters: Uncertain significance (2). Last evaluated 2025-07-02.

Conditions:
Inborn genetic diseases. Identifiers: MedGen C0950123, MeSH D030342.

Allele frequency attached by ClinVar (database versions not stated): TOPMed 0.00003.

Submissions (2):

Ambry Genetics
Classification: Uncertain significance for Inborn genetic diseases. Last evaluated: 2025-07-02. Review status: criteria provided, single submitter. Criteria: Ambry Variant Classification Scheme 2023. Collection method: clinical testing. Allele origin: germline.

CeGaT Center for Human Genetics Tuebingen
Classification: Uncertain significance. Last evaluated: 2022-08-01. Review status: criteria provided, single submitter. Criteria: CeGaT Center For Human Genetics Tuebingen Variant Classification Criteria Version 2. Collection method: clinical testing. Allele origin: germline. Affected: yes. Observed: 1 variant allele.
Comment: ARV1: PM2

NM_022786.3(ARV1):c.214G>A (p.Asp72Asn)

Gene: ARV1 (ARV1 fatty acid homeostasis modulator; plus strand). Cytogenetic location: 1q42.2.
Variant type: single nucleotide variant.
Coding change: c.214G>A on transcript NM_022786.3 (MANE Select); coding-DNA position 214, G replaced by A.
Protein change: p.Asp72Asn; replaces aspartic acid 72 with asparagine.
Molecular consequence: missense variant. On other transcripts: non-coding transcript variant (1).
Genome position (GRCh38, 1-based): chr1:230,988,359, G>A. VCF-style: chr1-230988359-G-A. GRCh37 (hg19) VCF-style: chr1-231124105-G-A.
Other names: c.214G>A, p.Asp72Asn (NM_001346992.2); c.214G>A (NM_022786.1); short protein forms D72N.
Identifiers: ClinVar variation 2640074 (VCV002640074.25), dbSNP rs1303996708, ClinGen allele CA345217700.